The following is an entry in ClinVar:

NM_181458.4(PAX3):c.787G>A (p.Val263Ile)

Gene: PAX3 (paired box 3; minus strand). Cytogenetic location: 2q36.1.
Variant type: single nucleotide variant.
Coding change: c.787G>A on transcript NM_181458.4 (MANE Select); coding-DNA position 787, G replaced by A.
Protein change: p.Val263Ile; replaces valine 263 with isoleucine.
Molecular consequence: missense variant.
Genome position (GRCh38, 1-based): chr2:222,232,083, C>T on the plus strand (G>A on the coding strand, the complement: PAX3 is on the minus strand). VCF-style: chr2-222232083-C-T. GRCh37 (hg19) VCF-style: chr2-223096802-C-T.
Other names: c.784G>A, p.Val262Ile (NM_001127366.3); c.787G>A, p.Val263Ile (NM_181457.4, NM_181459.4, NM_181460.4 and 1 more transcripts); short protein forms V263I, V262I.
Identifiers: ClinVar variation 4991083 (VCV004991083.1).
Genomic context (GRCh38, chr2:222,232,083, plus strand): 5'-CTTGTTTGTTTCCTGTCTGGACTGAAGTAGGACACGGAGGTTTGGGCAACAGTACCTGTA[C>T]TCGGGCCTCGGTGAGCTTCGCCCTCTGGGCCAGTTCCTCCCTAGTATAAATGTCAGGGTA-3'
Protein context (NP_852123.1, residues 253-273): AQRAKLTEAR[Val263Ile]QVWFSNRRAR

ClinVar aggregate classification (germline): Uncertain significance (1 of 4 stars; one submission).

Conditions:
PAX3-related disorder. Also called: PAX3-related condition.

Submission:

PreventionGenetics, part of Exact Sciences
Classification: Uncertain significance for PAX3-related condition. Last evaluated: 2026-05-22. Review status: criteria provided, single submitter. Criteria: ACMG Guidelines, 2015. Collection method: clinical testing. Allele origin: germline.
Comment: The PAX3 c.787G>A variant is predicted to result in the amino acid substitution p.Val263Ile. To our knowledge, this variant has not been reported in the literature. This variant is absent in a large population database (gnomAD), indicating this variant is rare. At this time, the clinical significance of this variant is uncertain due to the absence of conclusive functional and genetic evidence.